The following is an entry in ClinVar:

ClinVar aggregate classification (germline): Pathogenic (1 of 4 stars; one submission).

Conditions:
Deficiency of alpha-mannosidase (MANSA). Also called: LYSOSOMAL ALPHA-D-MANNOSIDASE DEFICIENCY; Alpha-Mannosidosis; Mannosidosis, alpha-, types I and II. Identifiers: Orphanet 61, MedGen C0024748, MONDO:0009561, OMIM 248500.

Submission:

Myriad Genetics, Inc.
Classification: Pathogenic for Deficiency of alpha-mannosidase. Last evaluated: 2023-09-27. Review status: criteria provided, single submitter. Criteria: Myriad Autosomal Dominant, Autosomal Recessive and X-Linked Classification Criteria (2023). Collection method: clinical testing. Allele origin: unknown.
Comment: NM_000528.3(MAN2B1):c.137dupG(A47Cfs*27) is expected to be pathogenic in the context of alpha-mannosidosis. This variant is predicted to lead to an abnormal or absent protein product due to the creation of a premature termination codon in MAN2B1, a gene where loss-of-function variants are known to be pathogenic. Please note: this variant was assessed in the context of healthy population screening.

NM_000528.4(MAN2B1):c.137dup (p.Ala47fs)

Gene: MAN2B1 (mannosidase alpha class 2B member 1; minus strand). Cytogenetic location: 19p13.13.
Variant type: Duplication.
Coding change: c.137dup on transcript NM_000528.4 (MANE Select); coding-DNA position 137, one base duplicated (G; older notation c.137dupG).
Protein change: p.Ala47fs; shifts the reading frame from alanine 47.
Molecular consequence: frameshift variant.
Genome position (GRCh38, 1-based): chr19:12,666,565, C duplicated on the plus strand (G on the coding strand, the reverse complement: MAN2B1 is on the minus strand); the first of 2 consecutive C bases (chr19:12,666,565-12,666,566); duplicating either gives the same sequence. VCF-style (leftmost placement, unchanged base first): chr19-12666564-A-AC. GRCh37 (hg19) VCF-style: chr19-12777378-A-AC.
Other names: c.137dup, p.Ala47fs (NM_001173498.2, NM_001440570.1); short protein forms A47fs.
Identifiers: ClinVar variation 5011822 (VCV005011822.1).